The following is an entry in ClinVar:

ClinVar aggregate classification (germline): Uncertain significance. Review status: criteria provided, multiple submitters, no conflicts (2 of 4 stars). 4 submissions from 4 submitters: Uncertain significance (4). Last evaluated 2025-05-11.

Allele frequency attached by ClinVar (database versions not stated): gnomAD exomes 0.00012; 1000 Genomes Project 0.00020; TOPMed 0.00035; ESP Exome Variant Server 0.00038; ExAC 0.00012; 1000 Genomes Project 30x 0.00016; gnomAD 0.00029 and 0.00030.

Submissions (4):

GeneDx
Classification: Uncertain significance. Last evaluated: 2025-05-11. Review status: criteria provided, single submitter. Criteria: GeneDx Variant Classification Process June 2021. Collection method: clinical testing. Allele origin: germline. Affected: yes.
Comment: Reported in the published literature in a patient with primary ovarian insufficiency (PMID: 36099812); In silico analysis supports that this missense variant has a deleterious effect on protein structure/function; This variant is associated with the following publications: (PMID: 36099812)

Labcorp Genetics (formerly Invitae), Labcorp
Classification: Uncertain significance. Last evaluated: 2024-10-15. Review status: criteria provided, single submitter. Criteria: Invitae Variant Classification Sherloc (09022015). Collection method: clinical testing. Allele origin: germline.
Comment: This sequence change replaces arginine, which is basic and polar, with cysteine, which is neutral and slightly polar, at codon 422 of the RCBTB1 protein (p.Arg422Cys). This variant is present in population databases (rs146138087, gnomAD 0.08%). This variant has not been reported in the literature in individuals affected with RCBTB1-related conditions. ClinVar contains an entry for this variant (Variation ID: 955164). Invitae Evidence Modeling of protein sequence and biophysical properties (such as structural, functional, and spatial information, amino acid conservation, physicochemical variation, residue mobility, and thermodynamic stability) indicates that this missense variant is expected to disrupt RCBTB1 protein function with a positive predictive value of 80%. In summary, the available evidence is currently insufficient to determine the role of this variant in disease. Therefore, it has been classified as a Variant of Uncertain Significance.

Ambry Genetics
Classification: Uncertain significance. Last evaluated: 2024-10-03. Review status: criteria provided, single submitter. Criteria: Ambry Variant Classification Scheme 2023. Collection method: clinical testing. Allele origin: germline.

Blueprint Genetics
Classification: Uncertain significance. Last evaluated: 2022-11-18. Review status: criteria provided, single submitter. Criteria: ACMG Guidelines, 2015. Collection method: clinical testing. Allele origin: germline.

NM_018191.4(RCBTB1):c.1264C>T (p.Arg422Cys)

Gene: RCBTB1 (RCC1 and BTB domain containing protein 1; minus strand). Cytogenetic location: 13q14.2.
Variant type: single nucleotide variant.
Coding change: c.1264C>T on transcript NM_018191.4 (MANE Select); coding-DNA position 1264, C replaced by T.
Protein change: p.Arg422Cys; replaces arginine 422 with cysteine.
Molecular consequence: missense variant. On other transcripts: non-coding transcript variant (2).
Genome position (GRCh38, 1-based): chr13:49,541,736, G>A on the plus strand (C>T on the coding strand, the complement: RCBTB1 is on the minus strand). VCF-style: chr13-49541736-G-A. GRCh37 (hg19) VCF-style: chr13-50115872-G-A.
Other names: c.1264C>T, p.Arg422Cys (NM_001352500.2, NM_001352501.2, NM_001352502.2 and 2 more transcripts); c.685C>T, p.Arg229Cys (NM_001352506.2); short protein forms R229C, R422C.
Identifiers: ClinVar variation 955164 (VCV000955164.10), dbSNP rs146138087, ClinGen allele CA6982624.